The following is an entry in ClinVar:

NM_000052.7(ATP7A):c.251T>C (p.Leu84Ser)

Gene: ATP7A (ATPase copper transporting alpha; plus strand). Cytogenetic location: Xq21.1.
Variant type: single nucleotide variant.
Coding change: c.251T>C on transcript NM_000052.7 (MANE Select); coding-DNA position 251, T replaced by C.
Protein change: p.Leu84Ser; replaces leucine 84 with serine.
Molecular consequence: missense variant.
Genome position (GRCh38, 1-based): chrX:77,988,372, T>C. VCF-style: chrX-77988372-T-C. GRCh37 (hg19) VCF-style: chrX-77243868-T-C.
Other names: c.251T>C, p.Leu84Ser (NM_001282224.2); short protein forms L84S.
Identifiers: ClinVar variation 2939339 (VCV002939339.3), dbSNP rs2522289247, ClinGen allele CA413599185.
Genomic context (GRCh38, chrX:77,988,372, plus strand): 5'-AAGCTATTGATGACATGGGCTTTGATGCTGTTATCCATAATCCTGACCCTCTCCCTGTTT[T>C]AACTGACACCTTGTTTCTGACTGTTACGGCGTCACTGACTTTGCCATGGGACCATATCCA-3'
Protein context (NP_000043.4, residues 74-94): VIHNPDPLPV[Leu84Ser]TDTLFLTVTA

ClinVar aggregate classification (germline): Uncertain significance (1 of 4 stars; one submission).

Conditions:
Menkes kinky-hair syndrome (MNK). Also called: Copper transport disease; Menkes Disease; Classic Menkes Disease. Identifiers: Orphanet 565, MedGen C0022716, MONDO:0010651, OMIM 309400.
Cutis laxa, X-linked (OHS). Also called: EDS IX; Occipital horn syndrome. Identifiers: Orphanet 198, MedGen C0268353, MONDO:0010572, OMIM 304150.
X-linked distal spinal muscular atrophy type 3. Also called: ATP7A-Related Distal Motor Neuropathy; SPINAL MUSCULAR ATROPHY, DISTAL, X-LINKED RECESSIVE; NEURONOPATHY, DISTAL HEREDITARY MOTOR, X-LINKED; NEUROPATHY, DISTAL HEREDITARY MOTOR, X-LINKED. Identifiers: Orphanet 139557, MedGen C1845359, MONDO:0010338, OMIM 300489.

Allele frequency attached by ClinVar (database versions not stated): gnomAD exomes below 0.00001.
gnomAD v4.1: 1 of 1,211,507 alleles (0.000083%); highest among the groups gnomAD compares: Non-Finnish European, 0.00011%; no homozygotes.

Submission:

Labcorp Genetics (formerly Invitae), Labcorp
Classification: Uncertain significance for X-linked distal spinal muscular atrophy type 3; Cutis laxa, X-linked; Menkes kinky-hair syndrome. Last evaluated: 2025-09-05. Review status: criteria provided, single submitter. Criteria: Invitae Variant Classification Sherloc (09022015). Collection method: clinical testing. Allele origin: germline.
Comment: This sequence change replaces leucine, which is neutral and non-polar, with serine, which is neutral and polar, at codon 84 of the ATP7A protein (p.Leu84Ser). This variant is not present in population databases (gnomAD no frequency). This variant has not been reported in the literature in individuals affected with ATP7A-related conditions. ClinVar contains an entry for this variant (Variation ID: 2939339). Invitae Evidence Modeling of protein sequence and biophysical properties (such as structural, functional, and spatial information, amino acid conservation, physicochemical variation, residue mobility, and thermodynamic stability) indicates that this missense variant is not expected to disrupt ATP7A protein function with a negative predictive value of 95%. In summary, the available evidence is currently insufficient to determine the role of this variant in disease. Therefore, it has been classified as a Variant of Uncertain Significance.